The following is an entry in ClinVar:

NM_002693.3(POLG):c.2383A>C (p.Asn795His)

Gene: POLG (DNA polymerase gamma, catalytic subunit; minus strand). Cytogenetic location: 15q26.1.
Variant type: single nucleotide variant.
Coding change: c.2383A>C on transcript NM_002693.3 (MANE Select); coding-DNA position 2383, A replaced by C.
Protein change: p.Asn795His; replaces asparagine 795 with histidine.
Molecular consequence: missense variant.
Genome position (GRCh38, 1-based): chr15:89,322,785, T>G on the plus strand (A>C on the coding strand, the complement: POLG is on the minus strand). VCF-style: chr15-89322785-T-G. GRCh37 (hg19) VCF-style: chr15-89866016-T-G.
Other names: c.2383A>C, p.Asn795His (NM_001126131.2); short protein forms N795H.
Identifiers: ClinVar variation 432080 (VCV000432080.4), dbSNP rs1555452983, ClinGen allele CA393756344.

ClinVar aggregate classification (germline): Likely pathogenic (1 of 4 stars; one submission).

Conditions:
POLG-related disorder. Also called: POLG-related condition; POLG-Related Disorders; POLG-Related Spectrum Disorders. Identifiers: MedGen C4763519.

Submission:

GeneDx
Classification: Likely pathogenic. Last evaluated: 2020-03-24. Review status: criteria provided, single submitter. Criteria: GeneDx Variant Classification Process June 2021. Collection method: clinical testing. Allele origin: germline. Affected: yes.
Comment: Not observed in large population cohorts (Lek et al., 2016); In silico analysis supports that this missense variant has a deleterious effect on protein structure/function; Has not been previously published as pathogenic or benign to our knowledge